The following is an entry in ClinVar:

ClinVar aggregate classification (germline): Uncertain significance (1 of 4 stars; one submission).

Allele frequency attached by ClinVar (database versions not stated): gnomAD exomes below 0.00001; TOPMed below 0.00001; ExAC 0.00001; gnomAD 0.00001.
gnomAD v4.1: 2 of 1,587,432 alleles (0.00013%); highest among the groups gnomAD compares: African/African-American, 0.0014%; no homozygotes.

Submission:

Labcorp Genetics (formerly Invitae), Labcorp
Classification: Uncertain significance. Last evaluated: 2023-12-11. Review status: criteria provided, single submitter. Criteria: Invitae Variant Classification Sherloc (09022015). Collection method: clinical testing. Allele origin: germline.
Comment: This sequence change replaces valine, which is neutral and non-polar, with isoleucine, which is neutral and non-polar, at codon 81 of the KIF11 protein (p.Val81Ile). This variant is present in population databases (rs763388552, gnomAD 0.0009%). This variant has not been reported in the literature in individuals affected with KIF11-related conditions. ClinVar contains an entry for this variant (Variation ID: 1466947). Advanced modeling of protein sequence and biophysical properties (such as structural, functional, and spatial information, amino acid conservation, physicochemical variation, residue mobility, and thermodynamic stability) performed at Invitae indicates that this missense variant is not expected to disrupt KIF11 protein function with a negative predictive value of 80%. In summary, the available evidence is currently insufficient to determine the role of this variant in disease. Therefore, it has been classified as a Variant of Uncertain Significance.

NM_004523.4(KIF11):c.241G>A (p.Val81Ile)

Gene: KIF11 (kinesin family member 11; plus strand). Cytogenetic location: 10q23.33.
Variant type: single nucleotide variant.
Coding change: c.241G>A on transcript NM_004523.4 (MANE Select); coding-DNA position 241, G replaced by A.
Protein change: p.Val81Ile; replaces valine 81 with isoleucine.
Molecular consequence: missense variant.
Genome position (GRCh38, 1-based): chr10:92,606,649, G>A. VCF-style: chr10-92606649-G-A. GRCh37 (hg19) VCF-style: chr10-94366406-G-A.
Other names: short protein forms V81I.
Identifiers: ClinVar variation 1466947 (VCV001466947.8), dbSNP rs763388552, ClinGen allele CA5603958.